The following is an entry in ClinVar:

ClinVar aggregate classification (germline): Likely benign. Review status: criteria provided, multiple submitters, no conflicts (2 of 4 stars). 3 submissions from 3 submitters: Likely benign (3). Last evaluated 2026-07-01.

Conditions:
SON-related disorder. Also called: SON-related condition.

Allele frequency attached by ClinVar (database versions not stated): ExAC 0.00001.
gnomAD v4.1: 4 of 1,613,650 alleles (0.00025%); highest among the groups gnomAD compares: Admixed American, 0.0033%; no homozygotes.

Submissions (3):

CeGaT Center for Human Genetics Tuebingen
Classification: Likely benign. Last evaluated: 2026-07-01. Review status: criteria provided, single submitter. Criteria: CeGaT Center For Human Genetics Tuebingen Variant Classification Criteria Version 2. Collection method: clinical testing. Allele origin: germline. Affected: yes. Observed: 1 variant allele.
Comment: SON: BP4, BP7

PreventionGenetics, part of Exact Sciences
Classification: Likely benign for SON-related condition. Last evaluated: 2025-07-18. Review status: criteria provided, single submitter. Criteria: ACMG Guidelines, 2015. Collection method: clinical testing. Allele origin: germline.
Comment: This variant is classified as likely benign based on ACMG/AMP sequence variant interpretation guidelines (Richards et al. 2015 PMID: 25741868, with internal and published modifications).

Labcorp Genetics (formerly Invitae), Labcorp
Classification: Likely benign. Last evaluated: 2024-03-04. Review status: criteria provided, single submitter. Criteria: Invitae Variant Classification Sherloc (09022015). Collection method: clinical testing. Allele origin: germline.

NM_138927.4(SON):c.1362A>T (p.Pro454=)

Gene: SON (SON DNA and RNA binding protein; plus strand). Cytogenetic location: 21q22.11.
Variant type: single nucleotide variant.
Coding change: c.1362A>T on transcript NM_138927.4 (MANE Select); coding-DNA position 1362, A replaced by T.
Protein change: p.Pro454=; no amino-acid change (proline 454 retained).
Molecular consequence: synonymous variant. On other transcripts: non-coding transcript variant (1), intron variant (1).
Genome position (GRCh38, 1-based): chr21:33,550,593, A>T. VCF-style: chr21-33550593-A-T. GRCh37 (hg19) VCF-style: chr21-34922899-A-T.
Other names: c.1362A>T, p.Pro454= (NM_001291411.2, NM_001412133.1, NM_032195.3 and 2 more transcripts); c.244+4214A>T (NM_001291412.3); c.1362A>T (NM_138927.2).
Identifiers: ClinVar variation 2957225 (VCV002957225.5), dbSNP rs771759036, ClinGen allele CA10008883.